The following is an entry in ClinVar:

ClinVar aggregate classification (germline): Conflicting classifications of pathogenicity. Review status: criteria provided, conflicting classifications (1 of 4 stars). 5 submissions from 5 submitters: Uncertain significance (3); Likely benign (1). 1 of the submissions does not count toward it. Last evaluated 2024-03-06.

Conditions:
Hereditary cancer-predisposing syndrome. Also called: Hereditary Cancer Syndrome; Neoplastic Syndromes, Hereditary; Hereditary neoplastic syndrome; Tumor predisposition. Identifiers: Orphanet 140162, MedGen C0027672, MeSH D009386, MONDO:0015356.
Hereditary breast ovarian cancer syndrome. Also called: Hereditary breast and ovarian cancer syndrome (HBOC); Breast and ovarian cancer; Hereditary breast and ovarian cancer syndrome; Hereditary breast and ovarian cancer; BRCA1- and BRCA2-Associated Hereditary Breast and Ovarian Cancer; Hereditary breast and/or ovarian cancer syndrome. Identifiers: Orphanet 145, MedGen C0677776, MeSH D061325, MONDO:0003582. Disease mechanism: loss of function.
Breast-ovarian cancer, familial, susceptibility to, 1 (BROVCA1). Also called: BRCA1 Hereditary Breast and Ovarian Cancer; OVARIAN CANCER, SUSCEPTIBILITY TO. Identifiers: Orphanet 145, MedGen C2676676, MONDO:0011450, OMIM 604370. Disease mechanism: loss of function.

Allele frequency attached by ClinVar (database versions not stated): TOPMed 0.00001.
gnomAD v4.1: 1 of 1,612,390 alleles (0.000062%); highest among the groups gnomAD compares: Non-Finnish European, 0.000085%; no homozygotes.

Submissions (5):

Ambry Genetics
Classification: Uncertain significance for Hereditary cancer-predisposing syndrome. Last evaluated: 2024-03-06. Review status: criteria provided, single submitter. Criteria: Ambry Variant Classification Scheme 2023. Collection method: clinical testing. Allele origin: germline.
Comment: The p.T276K variant (also known as c.827C>A), located in coding exon 9 of the BRCA1 gene, results from a C to A substitution at nucleotide position 827. The threonine at codon 276 is replaced by lysine, an amino acid with similar properties. This amino acid position is conserved. In addition, the in silico prediction for this alteration is inconclusive. Since supporting evidence is limited at this time, the clinical significance of this alteration remains unclear.

Labcorp Genetics (formerly Invitae), Labcorp
Classification: Uncertain significance for Hereditary breast ovarian cancer syndrome. Last evaluated: 2023-09-30. Review status: criteria provided, single submitter. Criteria: Invitae Variant Classification Sherloc (09022015). Collection method: clinical testing. Allele origin: germline.
Comment: This variant is not present in population databases (gnomAD no frequency). In summary, the available evidence is currently insufficient to determine the role of this variant in disease. Therefore, it has been classified as a Variant of Uncertain Significance. Advanced modeling of protein sequence and biophysical properties (such as structural, functional, and spatial information, amino acid conservation, physicochemical variation, residue mobility, and thermodynamic stability) performed at Invitae indicates that this missense variant is not expected to disrupt BRCA1 protein function. ClinVar contains an entry for this variant (Variation ID: 252891). This variant has not been reported in the literature in individuals affected with BRCA1-related conditions. This sequence change replaces threonine, which is neutral and polar, with lysine, which is basic and polar, at codon 276 of the BRCA1 protein (p.Thr276Lys).

University of Washington Department of Laboratory Medicine, University of Washington
Classification: Likely benign for Hereditary cancer-predisposing syndrome. Last evaluated: 2023-03-23. Review status: criteria provided, single submitter. Criteria: Dines et al. (Genet Med. 2020). Collection method: curation. Allele origin: germline.
Comment: Missense variant in a coldspot region where missense variants are very unlikely to be pathogenic (PMID:31911673).

BRCA1 coldspot (exon 11 using historical exon numbering). Reclassification based on statistical prior probability

Quest Diagnostics Nichols Institute San Juan Capistrano
Classification: Uncertain significance. Last evaluated: 2018-07-31. Review status: criteria provided, single submitter. Criteria: Quest Diagnostics criteria. Collection method: clinical testing. Allele origin: germline.

Sharing Clinical Reports Project (SCRP)
Classification: Uncertain significance for Breast-ovarian cancer, familial 1. Last evaluated: 2012-02-07. Review status: no assertion criteria provided. Collection method: clinical testing. Allele origin: germline. Not counted in ClinVar's aggregate classification.

NM_007294.4(BRCA1):c.827C>A (p.Thr276Lys)

Gene: BRCA1 (BRCA1 DNA repair associated; minus strand). Cytogenetic location: 17q21.31.
Variant type: single nucleotide variant.
Coding change: c.827C>A on transcript NM_007294.4 (MANE Select); coding-DNA position 827, C replaced by A.
Protein change: p.Thr276Lys; replaces threonine 276 with lysine.
Molecular consequence: missense variant. On other transcripts: 5 prime UTR variant (2), intron variant (137).
Genome position (GRCh38, 1-based): chr17:43,094,704, G>T on the plus strand (C>A on the coding strand, the complement: BRCA1 is on the minus strand). VCF-style: chr17-43094704-G-T. GRCh37 (hg19) VCF-style: chr17-41246721-G-T.
Other names: 946C>A; c.824C>A, p.Thr275Lys (NM_001407630.1, NM_001407631.1, NM_001407632.1 and 22 more transcripts); c.818C>A, p.Thr273Lys (NM_001407647.1, NM_001407646.1); c.704C>A, p.Thr235Lys (NM_001407648.1, NM_001407668.1, NM_001407669.1 and 19 more transcripts); c.701C>A, p.Thr234Lys (NM_001407649.1, NM_001407670.1, NM_001407671.1 and 11 more transcripts); c.827C>A, p.Thr276Lys (NM_001407652.1, NM_001407859.1, NM_007300.4 and 30 more transcripts); c.749C>A, p.Thr250Lys (NM_001407653.1, NM_001407654.1, NM_001407655.1 and 4 more transcripts); c.686C>A, p.Thr229Lys (NM_001407692.1, NM_001407694.1, NM_001407695.1 and 29 more transcripts); and 41 more; short protein forms T276K, T229K, T148K, T206K, T209K, T234K, T273K, T149K.
Identifiers: ClinVar variation 252891 (VCV000252891.16), dbSNP rs80357436, ClinGen allele CA10586119.